The following is an entry in ClinVar:

ClinVar aggregate classification (germline): Uncertain significance (1 of 4 stars; one submission).

Conditions:
Lymphoproliferative syndrome 1 (LPFS1). Identifiers: Orphanet 238505, Orphanet 538963, MedGen C3552634, MONDO:0013081, OMIM 613011.

Submission:

Labcorp Genetics (formerly Invitae), Labcorp
Classification: Uncertain significance for Lymphoproliferative syndrome 1. Last evaluated: 2021-07-21. Review status: criteria provided, single submitter. Criteria: Invitae Variant Classification Sherloc (09022015). Collection method: clinical testing. Allele origin: germline.
Comment: This sequence change replaces aspartic acid with alanine at codon 465 of the ITK protein (p.Asp465Ala). The aspartic acid residue is highly conserved and there is a moderate physicochemical difference between aspartic acid and alanine. This variant is not present in population databases (ExAC no frequency). This variant has not been reported in the literature in individuals with ITK-related conditions. Algorithms developed to predict the effect of missense changes on protein structure and function are either unavailable or do not agree on the potential impact of this missense change (SIFT: "Deleterious"; PolyPhen-2: "Probably Damaging"; Align-GVGD: "Class C15"). In summary, the available evidence is currently insufficient to determine the role of this variant in disease. Therefore, it has been classified as a Variant of Uncertain Significance.

NM_005546.4(ITK):c.1394A>C (p.Asp465Ala)

Gene: ITK (IL2 inducible T cell kinase; plus strand). Cytogenetic location: 5q33.3.
Variant type: single nucleotide variant.
Coding change: c.1394A>C on transcript NM_005546.4 (MANE Select); coding-DNA position 1394, A replaced by C.
Protein change: p.Asp465Ala; replaces aspartic acid 465 with alanine.
Molecular consequence: missense variant.
Genome position (GRCh38, 1-based): chr5:157,244,423, A>C. VCF-style: chr5-157244423-A-C. GRCh37 (hg19) VCF-style: chr5-156671433-A-C.
Other names: short protein forms D465A.
Identifiers: ClinVar variation 840148 (VCV000840148.10), dbSNP rs1754980034, ClinGen allele CA361961830.